The following is an entry in ClinVar:

NM_000528.4(MAN2B1):c.212C>T (p.Thr71Ile)

Gene: MAN2B1 (mannosidase alpha class 2B member 1; minus strand). Cytogenetic location: 19p13.13.
Variant type: single nucleotide variant.
Coding change: c.212C>T on transcript NM_000528.4 (MANE Select); coding-DNA position 212, C replaced by T.
Protein change: p.Thr71Ile; replaces threonine 71 with isoleucine.
Molecular consequence: missense variant.
Genome position (GRCh38, 1-based): chr19:12,665,753, G>A on the plus strand (C>T on the coding strand, the complement: MAN2B1 is on the minus strand). VCF-style: chr19-12665753-G-A. GRCh37 (hg19) VCF-style: chr19-12776567-G-A.
Other names: c.212C>T, p.Thr71Ile (NM_001173498.2); short protein forms T71I.
Identifiers: ClinVar variation 1051974 (VCV001051974.6), dbSNP rs1458969193, ClinGen allele CA404258295.
Genomic context (GRCh38, chr19:12,665,753, plus strand): 5'-CTCTACTCACTTCCATAAAAGTACTGGTCCACGGTTTTGAGCCAGCCCACGTCATCATGT[G>A]TGTGAGGCAGCAGGTGCACGTTCAGCATGTTCGGCTGCACTGTGGGGCATGTCTGCACAG-3'
Protein context (NP_000519.2, residues 61-81): NMLNVHLLPH[Thr71Ile]HDDVGWLKTV

ClinVar aggregate classification (germline): Uncertain significance (1 of 4 stars; one submission).

Conditions:
Deficiency of alpha-mannosidase (MANSA). Also called: LYSOSOMAL ALPHA-D-MANNOSIDASE DEFICIENCY; Alpha-Mannosidosis; Mannosidosis, alpha-, types I and II. Identifiers: Orphanet 61, MedGen C0024748, MONDO:0009561, OMIM 248500.

Allele frequency attached by ClinVar (database versions not stated): gnomAD 0.00001.
gnomAD v4.1: 1 of 1,614,056 alleles (0.000062%); highest among the groups gnomAD compares: African/African-American, 0.0013%; no homozygotes.

Submission:

Labcorp Genetics (formerly Invitae), Labcorp
Classification: Uncertain significance for Deficiency of alpha-mannosidase. Last evaluated: 2022-08-23. Review status: criteria provided, single submitter. Criteria: Invitae Variant Classification Sherloc (09022015). Collection method: clinical testing. Allele origin: germline.
Comment: This sequence change replaces threonine, which is neutral and polar, with isoleucine, which is neutral and non-polar, at codon 71 of the MAN2B1 protein (p.Thr71Ile). This variant is present in population databases (no rsID available, gnomAD 0.01%). This variant has not been reported in the literature in individuals affected with MAN2B1-related conditions. ClinVar contains an entry for this variant (Variation ID: 1051974). Algorithms developed to predict the effect of missense changes on protein structure and function are either unavailable or do not agree on the potential impact of this missense change (SIFT: "Deleterious"; PolyPhen-2: "Probably Damaging"; Align-GVGD: "Class C15"). In summary, the available evidence is currently insufficient to determine the role of this variant in disease. Therefore, it has been classified as a Variant of Uncertain Significance.